The following is an entry in ClinVar:

ClinVar aggregate classification (germline): Uncertain significance. Review status: criteria provided, multiple submitters, no conflicts (2 of 4 stars). 4 submissions from 4 submitters: Uncertain significance (4). Last evaluated 2024-06-17.

Conditions:
Hypertrophic cardiomyopathy 14. Identifiers: MedGen C2750467, MONDO:0013197, OMIM 613251.
Cardiovascular phenotype. Identifiers: MedGen CN230736.
Hypertrophic cardiomyopathy 1 (CMH1). Also called: MYH7-Related Familial Hypertrophic Cardiomyopathy; Familial hypertrophic cardiomyopathy 1. Identifiers: MedGen C3495498, MONDO:0008647, OMIM 192600.
Sick sinus syndrome 3, susceptibility to (SSS3). Identifiers: Orphanet 166282, MedGen C3279791, MONDO:0013568, OMIM 614090.
Dilated cardiomyopathy 1EE (CMD1EE). Identifiers: Orphanet 154, MedGen C2750466, MONDO:0013198, OMIM 613252.
Atrial septal defect 3 (ASD3). Identifiers: Orphanet 1478, MedGen C3279790, MONDO:0013567, OMIM 614089.

Allele frequency attached by ClinVar (database versions not stated): gnomAD exomes below 0.00001; ExAC 0.00001; gnomAD 0.00002.
gnomAD v4.1: 6 of 1,613,888 alleles (0.00037%); highest among the groups gnomAD compares: African/African-American, 0.008%; no homozygotes.

Submissions (4):

Labcorp Genetics (formerly Invitae), Labcorp
Classification: Uncertain significance for Hypertrophic cardiomyopathy 14. Last evaluated: 2024-06-17. Review status: criteria provided, single submitter. Criteria: Invitae Variant Classification Sherloc (09022015). Collection method: clinical testing. Allele origin: germline.
Comment: This sequence change replaces leucine, which is neutral and non-polar, with methionine, which is neutral and non-polar, at codon 1542 of the MYH6 protein (p.Leu1542Met). This variant is present in population databases (rs750721562, gnomAD 0.01%). This variant has not been reported in the literature in individuals affected with MYH6-related conditions. ClinVar contains an entry for this variant (Variation ID: 577110). Advanced modeling of protein sequence and biophysical properties (such as structural, functional, and spatial information, amino acid conservation, physicochemical variation, residue mobility, and thermodynamic stability) performed at Invitae indicates that this missense variant is not expected to disrupt MYH6 protein function with a negative predictive value of 80%. In summary, the available evidence is currently insufficient to determine the role of this variant in disease. Therefore, it has been classified as a Variant of Uncertain Significance.

Women's Health and Genetics/Laboratory Corporation of America, LabCorp
Classification: Uncertain significance. Last evaluated: 2023-08-19. Review status: criteria provided, single submitter. Criteria: LabCorp Variant Classification Summary - May 2015. Collection method: clinical testing. Allele origin: germline.

Ambry Genetics
Classification: Uncertain significance for Cardiovascular phenotype. Last evaluated: 2022-07-19. Review status: criteria provided, single submitter. Criteria: Ambry Variant Classification Scheme 2023. Collection method: clinical testing. Allele origin: germline.
Comment: The p.L1542M variant (also known as c.4624C>A), located in coding exon 30 of the MYH6 gene, results from a C to A substitution at nucleotide position 4624. The leucine at codon 1542 is replaced by methionine, an amino acid with highly similar properties. This amino acid position is conserved. In addition, this alteration is predicted to be tolerated by in silico analysis. Since supporting evidence is limited at this time, the clinical significance of this alteration remains unclear.

Fulgent Genetics
Classification: Uncertain significance for Hypertrophic cardiomyopathy 1; Hypertrophic cardiomyopathy 14; Dilated cardiomyopathy 1EE; Atrial septal defect 3; Sick sinus syndrome 3, susceptibility to. Last evaluated: 2021-12-03. Review status: criteria provided, single submitter. Criteria: ACMG Guidelines, 2015. Collection method: clinical testing. Allele origin: unknown.

NM_002471.4(MYH6):c.4624C>A (p.Leu1542Met)

Gene: MYH6 (myosin heavy chain 6; minus strand). Cytogenetic location: 14q11.2.
Variant type: single nucleotide variant.
Coding change: c.4624C>A on transcript NM_002471.4 (MANE Select); coding-DNA position 4624, C replaced by A.
Protein change: p.Leu1542Met; replaces leucine 1542 with methionine.
Molecular consequence: missense variant.
Genome position (GRCh38, 1-based): chr14:23,387,555, G>T on the plus strand (C>A on the coding strand, the complement: MYH6 is on the minus strand). VCF-style: chr14-23387555-G-T. GRCh37 (hg19) VCF-style: chr14-23856764-G-T.
Other names: short protein forms L1542M.
Identifiers: ClinVar variation 577110 (VCV000577110.12), dbSNP rs750721562, ClinGen allele CA7114703.